The following is an entry in ClinVar:

ClinVar aggregate classification (germline): Pathogenic (1 of 4 stars; one submission).

Conditions:
Mitochondrial DNA depletion syndrome 1. Also called: Mitochondrial neurogastrointestinal encephalomyopathy syndrome; Mitochondrial DNA Depletion Syndrome, MNGIE Form; POLIP SYNDROME; POLYNEUROPATHY, OPHTHALMOPLEGIA, LEUKOENCEPHALOPATHY, AND INTESTINAL PSEUDOOBSTRUCTION; Mitochondrial DNA depletion syndrome 1 (MNGIE type); Mitochondrial Neurogastrointestinal Encephalopathy Disease. Identifiers: Orphanet 298, MedGen C4551995, MONDO:0011283, OMIM 603041.

Submission:

Myriad Genetics, Inc.
Classification: Pathogenic for Mitochondrial DNA depletion syndrome 1. Last evaluated: 2025-03-03. Review status: criteria provided, single submitter. Criteria: Myriad Autosomal Dominant, Autosomal Recessive and X-Linked Classification Criteria (2023). Collection method: clinical testing. Allele origin: unknown.
Comment: NM_001257989.1(TYMP):c.130C>T(R44*) is a nonsense variant classified as pathogenic in the context of mitochondrial neurogastrointestinal encephalopathy disease. R44* has been observed in cases with relevant disease (PMID: 33825174, 30582904). Relevant functional assessments of this variant are not available in the literature. R44* has not been observed in referenced population frequency databases. In summary, NM_001257989.1(TYMP):c.130C>T(R44*) is a nonsense variant in a gene where loss of function is a known mechanism of disease, is predicted to disrupt protein function, and has been observed more frequently in cases with the relevant disease than in healthy populations. Please note: this variant was assessed in the context of healthy population screening.

Literature cited by the submitters: PubMed 30582904; PubMed 33825174.

NM_001953.5(TYMP):c.130C>T (p.Arg44Ter)

Gene: TYMP (thymidine phosphorylase; minus strand). Cytogenetic location: 22q13.33.
Variant type: single nucleotide variant.
Coding change: c.130C>T on transcript NM_001953.5 (MANE Select); coding-DNA position 130, C replaced by T.
Protein change: p.Arg44Ter; replaces arginine 44 with a stop codon.
Molecular consequence: nonsense.
Genome position (GRCh38, 1-based): chr22:50,529,580, G>A on the plus strand (C>T on the coding strand, the complement: TYMP is on the minus strand). VCF-style: chr22-50529580-G-A. GRCh37 (hg19) VCF-style: chr22-50968009-G-A.
Other names: c.130C>T, p.Arg44Ter (NM_001113755.3, NM_001113756.3, NM_001257988.1 and 1 more transcripts); short protein forms R44*.
Identifiers: ClinVar variation 4081814 (VCV004081814.1).
Genomic context (GRCh38, chr22:50,529,580, plus strand): 5'-CATTCACCACAGCGGCCACGAAGCCCCTGATGTCCGCTTCGCTCAGGCGGCCTCCGTCTC[G>A]CTTCATGCGGATCAGCTCCGGGAGCTGCTTGGGCTCTGGCGAAGGGTCGGGAAGTCCCTG-3'